The following is an entry in ClinVar:

ClinVar aggregate classification (germline): Uncertain significance (1 of 4 stars; one submission).

Conditions:
HCN2-related disorder. Also called: HCN2-related condition.

gnomAD v4.1: 1 of 1,611,096 alleles (0.000062%); highest among the groups gnomAD compares: Non-Finnish European, 0.000085%; no homozygotes.

Submission:

PreventionGenetics, part of Exact Sciences
Classification: Uncertain significance for HCN2-related condition. Last evaluated: 2026-08-25. Review status: criteria provided, single submitter. Criteria: ACMG Guidelines, 2015. Collection method: clinical testing. Allele origin: germline.
Comment: The HCN2 c.1168A>G variant is predicted to result in the amino acid substitution p.Met390Val. To our knowledge, this variant has not been reported in the literature or in a large population database (gnomAD), indicating this variant is rare. At this time, the clinical significance of this variant is uncertain due to the absence of conclusive functional and genetic evidence.

NM_001194.4(HCN2):c.1168A>G (p.Met390Val)

Gene: HCN2 (hyperpolarization activated cyclic nucleotide gated potassium and sodium channel 2; plus strand). Cytogenetic location: 19p13.3.
Variant type: single nucleotide variant.
Coding change: c.1168A>G on transcript NM_001194.4 (MANE Select); coding-DNA position 1168, A replaced by G.
Protein change: p.Met390Val; replaces methionine 390 with valine.
Molecular consequence: missense variant.
Genome position (GRCh38, 1-based): chr19:605,172, A>G. VCF-style: chr19-605172-A-G. GRCh37 (hg19) VCF-style: chr19-605172-A-G.
Other names: short protein forms M390V.
Identifiers: ClinVar variation 4983688 (VCV004983688.1).
Genomic context (GRCh38, chr19:605,172, plus strand): 5'-CTCATCAGCATGATGCTGCTGCTCTGCCACTGGGACGGCTGCCTGCAGTTCCTGGTGCCT[A>G]TGCTGCAGGACTTCCCGCGCAACTGCTGGGTGTCCATCAATGGCATGGTGGTGAGCGCCG-3'
Protein context (NP_001185.3, residues 380-400): WDGCLQFLVP[Met390Val]LQDFPRNCWV